The following is an entry in ClinVar:

ClinVar aggregate classification (germline): Likely pathogenic. Review status: criteria provided, single submitter (1 of 4 stars). 3 submissions from 3 submitters: Likely pathogenic (1). 2 of the submissions do not count toward it. Last evaluated 2020-12-29.

Conditions:
Leukodystrophy, hypomyelinating, 6. Also called: Hypomyelination with Atrophy of Basal Ganglia and Cerebellum (H-ABC); TUBB4A-Associated Leukodystrophy; LEUKODYSTROPHY, HYPOMYELINATING, WITH ATROPHY OF THE BASAL GANGLIA AND CEREBELLUM. Identifiers: Orphanet 139441, MedGen C2676244, MONDO:0012905, OMIM 612438.

Submissions (3):

Molecular Diagnostics Lab, Nemours Children's Health, Delaware
Classification: Likely pathogenic for Leukodystrophy, hypomyelinating, 6. Last evaluated: 2020-12-29. Review status: criteria provided, single submitter. Criteria: ACMG Guidelines, 2015. Collection method: clinical testing. Allele origin: unknown. Inheritance: Autosomal dominant inheritance. Affected: yes. Observed: 1 heterozygote.
Comment: This missense variant (c.533C>G, p.Thr178Arg) has not been observed in population databases (gnomAD). It has been reported in the literature (PMID 24850488, PMID 30476126). Variant prediction programs suggest a deleterious effect, although no functional studies have been published.

OMIM
Classification: Pathogenic for LEUKODYSTROPHY, HYPOMYELINATING, 6. Last evaluated: 2014-05-21. Review status: no assertion criteria provided. Collection method: literature only. Allele origin: germline. Not counted in ClinVar's aggregate classification.

GeneReviews
No classification provided. Condition: Leukodystrophy, hypomyelinating, 6. Review status: no classification provided. Collection method: literature only. Allele origin: germline. Affected: yes. Not counted in ClinVar's aggregate classification.

Literature cited by the submitters: PubMed 24850488 (cited by 3 submitters); NCBI Bookshelf NBK395611 (cited by GeneReviews).

NM_006087.4(TUBB4A):c.533C>G (p.Thr178Arg)

Gene: TUBB4A (tubulin beta 4A class IVa; minus strand). Cytogenetic location: 19p13.3.
Variant type: single nucleotide variant.
Coding change: c.533C>G on transcript NM_006087.4 (MANE Select); coding-DNA position 533, C replaced by G.
Protein change: p.Thr178Arg; replaces threonine 178 with arginine.
Molecular consequence: missense variant.
Genome position (GRCh38, 1-based): chr19:6,495,966, G>C on the plus strand (C>G on the coding strand, the complement: TUBB4A is on the minus strand). VCF-style: chr19-6495966-G-C. GRCh37 (hg19) VCF-style: chr19-6495977-G-C.
Other names: c.686C>G, p.Thr229Arg (NM_001289123.2); c.668C>G, p.Thr223Arg (NM_001289127.2); c.533C>G, p.Thr178Arg (NM_001289129.2); c.317C>G, p.Thr106Arg (NM_001289130.2, NM_001289131.2); short protein forms T178R, T229R, T223R, T106R.
Identifiers: ClinVar variation 139453 (VCV000139453.73), dbSNP rs587777468, ClinGen allele CA163221.